The following is an entry in ClinVar:

ClinVar aggregate classification (germline): Uncertain significance (1 of 4 stars; one submission).

Conditions:
Medulloblastoma (MDB). Also called: Medulloblastoma, somatic; MEDULLOBLASTOMA PREDISPOSITION SYNDROME. Identifiers: Orphanet 616, MedGen C0025149, MeSH D008527, MONDO:0007959, OMIM 155255, HP:0002885.
Gorlin syndrome. Also called: Basal cell nevus syndrome; Nevoid Basal Cell Carcinoma Syndrome. Identifiers: Orphanet 377, MedGen C0004779, MONDO:0007187.

Submission:

Labcorp Genetics (formerly Invitae), Labcorp
Classification: Uncertain significance for Gorlin syndrome; Medulloblastoma. Last evaluated: 2022-12-12. Review status: criteria provided, single submitter. Criteria: Invitae Variant Classification Sherloc (09022015). Collection method: clinical testing. Allele origin: germline.
Comment: This sequence change replaces alanine, which is neutral and non-polar, with threonine, which is neutral and polar, at codon 274 of the SUFU protein (p.Ala274Thr). In summary, the available evidence is currently insufficient to determine the role of this variant in disease. Therefore, it has been classified as a Variant of Uncertain Significance. Advanced modeling of protein sequence and biophysical properties (such as structural, functional, and spatial information, amino acid conservation, physicochemical variation, residue mobility, and thermodynamic stability) performed at Invitae indicates that this missense variant is not expected to disrupt SUFU protein function. This variant has not been reported in the literature in individuals affected with SUFU-related conditions. This variant is not present in population databases (gnomAD no frequency).

NM_016169.4(SUFU):c.820G>A (p.Ala274Thr)

Gene: SUFU (SUFU negative regulator of hedgehog signaling; plus strand). Cytogenetic location: 10q24.32.
Variant type: single nucleotide variant.
Coding change: c.820G>A on transcript NM_016169.4 (MANE Select); coding-DNA position 820, G replaced by A.
Protein change: p.Ala274Thr; replaces alanine 274 with threonine.
Molecular consequence: missense variant.
Genome position (GRCh38, 1-based): chr10:102,597,203, G>A. VCF-style: chr10-102597203-G-A. GRCh37 (hg19) VCF-style: chr10-104356960-G-A.
Other names: c.820G>A, p.Ala274Thr (NM_001178133.2); short protein forms A274T.
Identifiers: ClinVar variation 2932358 (VCV002932358.3), dbSNP rs2545094247, ClinGen allele CA377910470.